The following is an entry in ClinVar:

NM_024408.4(NOTCH2):c.6310A>G (p.Arg2104Gly)

Gene: NOTCH2 (notch receptor 2; minus strand). Cytogenetic location: 1p12.
Variant type: single nucleotide variant.
Coding change: c.6310A>G on transcript NM_024408.4 (MANE Select); coding-DNA position 6310, A replaced by G.
Protein change: p.Arg2104Gly; replaces arginine 2104 with glycine.
Molecular consequence: missense variant.
Genome position (GRCh38, 1-based): chr1:119,916,412, T>C on the plus strand (A>G on the coding strand, the complement: NOTCH2 is on the minus strand). VCF-style: chr1-119916412-T-C. GRCh37 (hg19) VCF-style: chr1-120459035-T-C.
Other names: c.6310A>G (NM_024408.3); short protein forms R2104G.
Identifiers: ClinVar variation 1448983 (VCV001448983.9), dbSNP rs757743077, ClinGen allele CA1039447.

ClinVar aggregate classification (germline): Uncertain significance. Review status: criteria provided, multiple submitters, no conflicts (2 of 4 stars). 2 submissions from 2 submitters: Uncertain significance (2). Last evaluated 2024-10-16.

Conditions:
Inborn genetic diseases. Identifiers: MedGen C0950123, MeSH D030342.
Hajdu-Cheney syndrome (HJCYS). Also called: Acroosteolysis dominant type; SERPENTINE FIBULA-POLYCYSTIC KIDNEY SYNDROME; ACROOSTEOLYSIS WITH OSTEOPOROSIS AND CHANGES IN SKULL AND MANDIBLE. Identifiers: Orphanet 955, MedGen C0917715, MONDO:0007057, OMIM 102500.

Allele frequency attached by ClinVar (database versions not stated): gnomAD exomes below 0.00001 and 0.00001; ExAC 0.00001; TOPMed 0.00001.
gnomAD v4.1: 3 of 1,614,160 alleles (0.00019%); highest among the groups gnomAD compares: Admixed American, 0.0017%; no homozygotes.

Submissions (2):

Ambry Genetics
Classification: Uncertain significance for Inborn genetic diseases. Last evaluated: 2024-10-16. Review status: criteria provided, single submitter. Criteria: Ambry Variant Classification Scheme 2023. Collection method: clinical testing. Allele origin: germline.

Labcorp Genetics (formerly Invitae), Labcorp
Classification: Uncertain significance for Hajdu-Cheney syndrome. Last evaluated: 2023-10-05. Review status: criteria provided, single submitter. Criteria: Invitae Variant Classification Sherloc (09022015). Collection method: clinical testing. Allele origin: germline.
Comment: This sequence change replaces arginine, which is basic and polar, with glycine, which is neutral and non-polar, at codon 2104 of the NOTCH2 protein (p.Arg2104Gly). This variant is present in population databases (rs757743077, gnomAD 0.003%). This variant has not been reported in the literature in individuals affected with NOTCH2-related conditions. ClinVar contains an entry for this variant (Variation ID: 1448983). Advanced modeling of protein sequence and biophysical properties (such as structural, functional, and spatial information, amino acid conservation, physicochemical variation, residue mobility, and thermodynamic stability) performed at Invitae indicates that this missense variant is not expected to disrupt NOTCH2 protein function. In summary, the available evidence is currently insufficient to determine the role of this variant in disease. Therefore, it has been classified as a Variant of Uncertain Significance.